The following is an entry in ClinVar:

NM_004304.5(ALK):c.4760A>C (p.Gln1587Pro)

Gene: ALK (ALK receptor tyrosine kinase; minus strand). Cytogenetic location: 2p23.2.
Variant type: single nucleotide variant.
Coding change: c.4760A>C on transcript NM_004304.5 (MANE Select); coding-DNA position 4760, A replaced by C.
Protein change: p.Gln1587Pro; replaces glutamine 1587 with proline.
Molecular consequence: missense variant.
Genome position (GRCh38, 1-based): chr2:29,193,327, T>G on the plus strand (A>C on the coding strand, the complement: ALK is on the minus strand). VCF-style: chr2-29193327-T-G. GRCh37 (hg19) VCF-style: chr2-29416193-T-G.
Other names: c.4760A>C (NM_004304.4); c.1556A>C, p.Gln519Pro (NM_001353765.2); short protein forms Q519P, Q1587P.
Identifiers: ClinVar variation 2073998 (VCV002073998.5), dbSNP rs1443014958, ClinGen allele CA346460304.

ClinVar aggregate classification (germline): Uncertain significance. Review status: criteria provided, multiple submitters, no conflicts (2 of 4 stars). 2 submissions from 2 submitters: Uncertain significance (2). Last evaluated 2025-09-10.

Conditions:
Neuroblastoma, susceptibility to, 3. Also called: ALK-Related Neuroblastic Tumor Susceptibility. Identifiers: Orphanet 635, MedGen C2751681, MONDO:0013083, OMIM 613014.
Hereditary cancer-predisposing syndrome. Also called: Tumor predisposition; Hereditary Cancer Syndrome; Hereditary neoplastic syndrome; Neoplastic Syndromes, Hereditary. Identifiers: Orphanet 140162, MedGen C0027672, MeSH D009386, MONDO:0015356.

gnomAD v4.1: 3 of 1,614,202 alleles (0.00019%); highest among the groups gnomAD compares: Non-Finnish European, 0.00025%; no homozygotes.

Submissions (2):

Ambry Genetics
Classification: Uncertain significance for Hereditary cancer-predisposing syndrome. Last evaluated: 2025-09-10. Review status: criteria provided, single submitter. Criteria: Ambry Variant Classification Scheme 2023. Collection method: clinical testing. Allele origin: germline.
Comment: The p.Q1587P variant (also known as c.4760A>C), located in coding exon 29 of the ALK gene, results from an A to C substitution at nucleotide position 4760. The glutamine at codon 1587 is replaced by proline, an amino acid with similar properties. This amino acid position is conserved. In addition, this alteration is predicted to be tolerated by in silico analysis. Based on the available evidence, the clinical significance of this variant remains unclear.

Labcorp Genetics (formerly Invitae), Labcorp
Classification: Uncertain significance for Neuroblastoma, susceptibility to, 3. Last evaluated: 2025-05-27. Review status: criteria provided, single submitter. Criteria: Invitae Variant Classification Sherloc (09022015). Collection method: clinical testing. Allele origin: germline.
Comment: This sequence change replaces glutamine, which is neutral and polar, with proline, which is neutral and non-polar, at codon 1587 of the ALK protein (p.Gln1587Pro). This variant is not present in population databases (gnomAD no frequency). This variant has not been reported in the literature in individuals affected with ALK-related conditions. ClinVar contains an entry for this variant (Variation ID: 2073998). An algorithm developed to predict the effect of missense changes on protein structure and function (PolyPhen-2) suggests that this variant is likely to be disruptive. In summary, the available evidence is currently insufficient to determine the role of this variant in disease. Therefore, it has been classified as a Variant of Uncertain Significance.